The following is an entry in ClinVar:

ClinVar aggregate classification (germline): Uncertain significance (1 of 4 stars; one submission).

Conditions:
Inborn genetic diseases. Identifiers: MedGen C0950123, MeSH D030342.

Submission:

Ambry Genetics
Classification: Uncertain significance for Inborn genetic diseases. Last evaluated: 2025-10-03. Review status: criteria provided, single submitter. Criteria: Ambry Variant Classification Scheme 2023. Collection method: clinical testing. Allele origin: germline.
Comment: The p.H150Q variant (also known as c.450C>G), located in coding exon 1 of the SAMD9L gene, results from a C to G substitution at nucleotide position 450. The histidine at codon 150 is replaced by glutamine, an amino acid with highly similar properties. This amino acid position is conserved. In addition, this alteration is predicted to be tolerated by in silico analysis. Based on the available evidence, the clinical significance of this variant remains unclear.

NM_152703.5(SAMD9L):c.450C>G (p.His150Gln)

Gene: SAMD9L (sterile alpha motif domain containing 9 like; minus strand). Cytogenetic location: 7q21.2.
Variant type: single nucleotide variant.
Coding change: c.450C>G on transcript NM_152703.5 (MANE Select); coding-DNA position 450, C replaced by G.
Protein change: p.His150Gln; replaces histidine 150 with glutamine.
Molecular consequence: missense variant.
Genome position (GRCh38, 1-based): chr7:93,135,522, G>C on the plus strand (C>G on the coding strand, the complement: SAMD9L is on the minus strand). VCF-style: chr7-93135522-G-C. GRCh37 (hg19) VCF-style: chr7-92764835-G-C.
Other names: c.450C>G, p.His150Gln (NM_001303496.3, NM_001303497.3, NM_001303498.3 and 5 more transcripts); short protein forms H150Q.
Identifiers: ClinVar variation 4630035 (VCV004630035.1).